The following is an entry in ClinVar:

ClinVar aggregate classification (germline): Uncertain significance. Review status: criteria provided, multiple submitters, no conflicts (2 of 4 stars). 2 submissions from 2 submitters: Uncertain significance (2). Last evaluated 2021-06-21.

Conditions:
Inborn genetic diseases. Identifiers: MedGen C0950123, MeSH D030342.
Hereditary spastic paraplegia 30. Identifiers: Orphanet 101010, MedGen C5235139, MONDO:0012476.
Neuropathy, hereditary sensory, type 2C. Also called: Hereditary sensory and autonomic neuropathy type IIC; KIF1A-Related HSAN2 (HSAN2C). Identifiers: Orphanet 970, MedGen C3280168, MONDO:0013634, OMIM 614213.
Intellectual disability, autosomal dominant 9 (NESCAVS). Also called: NESCAV SYNDROME; KIF1A-Related Neurodevelopmental Disorder. Identifiers: Orphanet 662367, MedGen C5393830, MONDO:0013656, OMIM 614255.

gnomAD v4.1: 9 of 1,606,334 alleles (0.00056%); highest among the groups gnomAD compares: Non-Finnish European, 0.00077%; no homozygotes.

Submissions (2):

Ambry Genetics
Classification: Uncertain significance for Inborn genetic diseases. Last evaluated: 2021-06-21. Review status: criteria provided, single submitter. Criteria: Ambry Variant Classification Scheme 2023. Collection method: clinical testing. Allele origin: germline.
Comment: The p.E1342G variant (also known as c.4025A>G), located in coding exon 38 of the KIF1A gene, results from an A to G substitution at nucleotide position 4025. The glutamic acid at codon 1342 is replaced by glycine, an amino acid with similar properties. This amino acid position is highly conserved in available vertebrate species. In addition, this alteration is predicted to be deleterious by in silico analysis. Since supporting evidence is limited at this time, the clinical significance of this alteration remains unclear.

Labcorp Genetics (formerly Invitae), Labcorp
Classification: Uncertain significance for Hereditary spastic paraplegia 30; Neuropathy, hereditary sensory, type 2C; Intellectual disability, autosomal dominant 9. Last evaluated: 2021-04-30. Review status: criteria provided, single submitter. Criteria: Invitae Variant Classification Sherloc (09022015). Collection method: clinical testing. Allele origin: germline.
Comment: This sequence change replaces glutamic acid with glycine at codon 1241 of the KIF1A protein (p.Glu1241Gly). The glutamic acid residue is highly conserved and there is a moderate physicochemical difference between glutamic acid and glycine. This variant is not present in population databases (ExAC no frequency). This variant has not been reported in the literature in individuals with KIF1A-related conditions. Advanced modeling of protein sequence and biophysical properties (such as structural, functional, and spatial information, amino acid conservation, physicochemical variation, residue mobility, and thermodynamic stability) performed at Invitae indicates that this missense variant is not expected to disrupt KIF1A protein function. In summary, the available evidence is currently insufficient to determine the role of this variant in disease. Therefore, it has been classified as a Variant of Uncertain Significance.

NM_001244008.2(KIF1A):c.4025A>G (p.Glu1342Gly)

Gene: KIF1A (kinesin family member 1A; minus strand). Cytogenetic location: 2q37.3.
Variant type: single nucleotide variant.
Coding change: c.4025A>G on transcript NM_001244008.2 (MANE Select); coding-DNA position 4025, A replaced by G.
Protein change: p.Glu1342Gly; replaces glutamic acid 1342 with glycine.
Molecular consequence: missense variant.
Genome position (GRCh38, 1-based): chr2:240,726,923, T>C on the plus strand (A>G on the coding strand, the complement: KIF1A is on the minus strand). VCF-style: chr2-240726923-T-C. GRCh37 (hg19) VCF-style: chr2-241666340-T-C.
Other names: c.3749A>G, p.Glu1250Gly (NM_001320705.2, NM_001379649.1); c.3776A>G, p.Glu1259Gly (NM_001330289.2); c.3824A>G, p.Glu1275Gly (NM_001330290.2, NM_001379648.1); c.4100A>G, p.Glu1367Gly (NM_001379631.1); c.4001A>G, p.Glu1334Gly (NM_001379632.1); c.3998A>G, p.Glu1333Gly (NM_001379633.1, NM_001379645.1); c.3851A>G, p.Glu1284Gly (NM_001379634.1); c.3848A>G, p.Glu1283Gly (NM_001379635.1, NM_001379646.1); and 7 more; short protein forms E1240G, E1241G, E1250G, E1266G, E1284G, E1333G, E1258G, E1249G.
Identifiers: ClinVar variation 1364760 (VCV001364760.10), dbSNP rs1465561800, ClinGen allele CA351309738.
Genomic context (GRCh38, chr2:240,726,923, plus strand): 5'-CGATAAGGGGTGACCCGGTTCAGCAGGAGAGAGTTGTGCATGGAGCTGTCCCACGCAGCC[T>C]CAAATTGGTAAAAGGTCCTGAAAGGAAGCAGAGACAAAGTAGAAGTTGATGGCGTGGGGG-3'
Protein context (NP_001230937.1, residues 1332-1352): AQDDRTFYQF[Glu1342Gly]AAWDSSMHNS